The following is an entry in ClinVar:

ClinVar aggregate classification (germline): Conflicting classifications of pathogenicity. Review status: criteria provided, conflicting classifications (1 of 4 stars). 3 submissions from 3 submitters: Uncertain significance (1); Likely benign (2). Last evaluated 2026-05-27.

Conditions:
Hereditary cancer-predisposing syndrome. Also called: Neoplastic Syndromes, Hereditary; Tumor predisposition; Hereditary Cancer Syndrome; Hereditary neoplastic syndrome. Identifiers: Orphanet 140162, MedGen C0027672, MeSH D009386, MONDO:0015356.
Gastrointestinal stromal tumor. Also called: Gastrointestinal stromal tumor, somatic; Gastrointestinal stroma tumor. Identifiers: Orphanet 44890, MedGen C0238198, MeSH D046152, MONDO:0011719, OMIM 606764, HP:0100723.

Allele frequency attached by ClinVar (database versions not stated): gnomAD exomes below 0.00001 and 0.00001; ExAC 0.00001.
gnomAD v4.1: 7 of 1,614,082 alleles (0.00043%); highest among the groups gnomAD compares: Non-Finnish European, 0.00059%; no homozygotes.

Submissions (3):

Myriad Genetics, Inc.
Classification: Likely benign for Gastrointestinal stromal tumor. Last evaluated: 2026-05-27. Review status: criteria provided, single submitter. Criteria: Myriad Autosomal Dominant, Autosomal Recessive and X-Linked Classification Criteria (2023). Collection method: clinical testing. Allele origin: unknown.
Comment: This variant is considered likely benign. This variant has been observed at a population frequency that is significantly greater than expected given the associated disease prevalence and penetrance.

Labcorp Genetics (formerly Invitae), Labcorp
Classification: Uncertain significance for Gastrointestinal stromal tumor. Last evaluated: 2025-05-27. Review status: criteria provided, single submitter. Criteria: Invitae Variant Classification Sherloc (09022015). Collection method: clinical testing. Allele origin: germline.
Comment: This sequence change replaces leucine, which is neutral and non-polar, with valine, which is neutral and non-polar, at codon 426 of the KIT protein (p.Leu426Val). This variant is present in population databases (rs758061831, gnomAD 0.002%). This variant has not been reported in the literature in individuals affected with KIT-related conditions. ClinVar contains an entry for this variant (Variation ID: 838807). An algorithm developed to predict the effect of missense changes on protein structure and function (PolyPhen-2) suggests that this variant is likely to be disruptive. In summary, the available evidence is currently insufficient to determine the role of this variant in disease. Therefore, it has been classified as a Variant of Uncertain Significance.

Ambry Genetics
Classification: Likely benign for Hereditary cancer-predisposing syndrome. Last evaluated: 2024-03-26. Review status: criteria provided, single submitter. Criteria: Ambry Variant Classification Scheme 2023. Collection method: clinical testing. Allele origin: germline.

NM_000222.3(KIT):c.1276C>G (p.Leu426Val)

Gene: KIT (KIT proto-oncogene, receptor tyrosine kinase; plus strand). Cytogenetic location: 4q12.
Variant type: single nucleotide variant.
Coding change: c.1276C>G on transcript NM_000222.3 (MANE Select); coding-DNA position 1276, C replaced by G.
Protein change: p.Leu426Val; replaces leucine 426 with valine.
Molecular consequence: missense variant.
Genome position (GRCh38, 1-based): chr4:54,723,628, C>G. VCF-style: chr4-54723628-C-G. GRCh37 (hg19) VCF-style: chr4-55589794-C-G.
Other names: c.1276C>G, p.Leu426Val (NM_001093772.2, NM_001385285.1, NM_001385286.1); c.1279C>G, p.Leu427Val (NM_001385284.1, NM_001385288.1, NM_001385290.1 and 1 more transcripts); short protein forms L426V, L427V.
Identifiers: ClinVar variation 838807 (VCV000838807.13), dbSNP rs758061831, ClinGen allele CA2923445.